The following is an entry in ClinVar:

ClinVar aggregate classification (germline): Uncertain significance (1 of 4 stars; one submission).

Conditions:
Hereditary cancer-predisposing syndrome. Also called: Neoplastic Syndromes, Hereditary; Tumor predisposition; Hereditary Cancer Syndrome; Hereditary neoplastic syndrome. Identifiers: Orphanet 140162, MedGen C0027672, MeSH D009386, MONDO:0015356.

Submission:

Color Diagnostics, LLC DBA Color Health
Classification: Uncertain significance for Hereditary cancer-predisposing syndrome. Last evaluated: 2024-05-04. Review status: criteria provided, single submitter. Criteria: ACMG Guidelines, 2015. Collection method: clinical testing. Allele origin: germline.
Comment: This missense variant replaces lysine with isoleucine at codon 2406 of the ATM protein. Computational prediction suggests that this variant may not impact protein structure and function (internally defined REVEL score threshold <= 0.5, PMID: 27666373). To our knowledge, functional studies have not been reported for this variant. This variant has not been reported in individuals affected with ATM-related disorders in the literature. This variant has not been identified in the general population by the Genome Aggregation Database (gnomAD). The available evidence is insufficient to determine the role of this variant in disease conclusively. Therefore, this variant is classified as a Variant of Uncertain Significance.

NM_000051.4(ATM):c.7217A>T (p.Lys2406Ile)

Genes: ATM (ATM serine/threonine kinase; plus strand), C11orf65 (chromosome 11 open reading frame 65; minus strand). Cytogenetic location: 11q22.3.
Variant type: single nucleotide variant.
Coding change: c.7217A>T on transcript NM_000051.4 (MANE Select); coding-DNA position 7217, A replaced by T.
Protein change: p.Lys2406Ile; replaces lysine 2406 with isoleucine.
Molecular consequence: missense variant. On other transcripts: intron variant (2).
Genome position (GRCh38, 1-based): chr11:108,329,148, A>T. VCF-style: chr11-108329148-A-T. GRCh37 (hg19) VCF-style: chr11-108199875-A-T.
Other names: c.7217A>T, p.Lys2406Ile (NM_001351834.2); c.641-20077T>A (NM_001330368.2); c.*38+6072T>A (NM_001351110.2); short protein forms K2406I.
Identifiers: ClinVar variation 3893806 (VCV003893806.1).